The following is an entry in ClinVar:

NM_001370259.2(MEN1):c.1126C>T (p.Leu376=)

Gene: MEN1 (menin 1; minus strand). Cytogenetic location: 11q13.1.
Variant type: single nucleotide variant.
Coding change: c.1126C>T on transcript NM_001370259.2 (MANE Select); coding-DNA position 1126, C replaced by T.
Protein change: p.Leu376=; no amino-acid change (leucine 376 retained).
Molecular consequence: synonymous variant. On other transcripts: non-coding transcript variant (4).
Genome position (GRCh38, 1-based): chr11:64,805,694, G>A on the plus strand (C>T on the coding strand, the complement: MEN1 is on the minus strand). VCF-style: chr11-64805694-G-A. GRCh37 (hg19) VCF-style: chr11-64573166-G-A.
Other names: c.1141C>T, p.Leu381= (NM_000244.4, NM_001407145.1, NM_130800.3 and 4 more transcripts); c.1252C>T, p.Leu418= (NM_001370251.2, NM_001407142.1, NM_001407143.1 and 1 more transcripts); c.1126C>T, p.Leu376= (NM_001370260.2, NM_001370261.2, NM_001407146.1 and 3 more transcripts); c.1021C>T, p.Leu341= (NM_001370262.2, NM_001370263.2, NM_001407148.1 and 1 more transcripts); c.1267C>T, p.Leu423= (NM_001407150.1); c.1147C>T, p.Leu383= (NM_001407151.1).
Identifiers: ClinVar variation 2564993 (VCV002564993.3), dbSNP rs2136109618, ClinGen allele CA474983111.

ClinVar aggregate classification (germline): Benign/Likely benign. Review status: criteria provided, multiple submitters, no conflicts (2 of 4 stars). 2 submissions from 2 submitters: Benign (1); Likely benign (1). Last evaluated 2024-11-04.

Conditions:
Multiple endocrine neoplasia, type 1 (MEN1). Also called: MEN I; MEA I; WERMER SYNDROME; Endocrine adenomatosis multiple; MEN 1. Identifiers: Orphanet 652, MedGen C0025267, MeSH D018761, MONDO:0007540, OMIM 131100.
Hereditary cancer-predisposing syndrome. Also called: Neoplastic Syndromes, Hereditary; Hereditary Cancer Syndrome; Tumor predisposition; Hereditary neoplastic syndrome. Identifiers: Orphanet 140162, MedGen C0027672, MeSH D009386, MONDO:0015356.

Allele frequency attached by ClinVar (database versions not stated): gnomAD exomes below 0.00001.

Submissions (2):

Myriad Genetics, Inc.
Classification: Benign for Multiple endocrine neoplasia, type 1. Last evaluated: 2024-11-04. Review status: criteria provided, single submitter. Criteria: Myriad Autosomal Dominant, Autosomal Recessive and X-Linked Classification Criteria (2023). Collection method: clinical testing. Allele origin: unknown.
Comment: This variant is considered benign. This variant is a silent/synonymous amino acid change and it is not expected to impact splicing.

Ambry Genetics
Classification: Likely benign for Hereditary cancer-predisposing syndrome. Last evaluated: 2023-06-12. Review status: criteria provided, single submitter. Criteria: Ambry Variant Classification Scheme 2023. Collection method: clinical testing. Allele origin: germline.